The following is an entry in ClinVar:

NM_006859.4(LIAS):c.999dup (p.Val334fs)

Gene: LIAS (lipoic acid synthetase; plus strand). Cytogenetic location: 4p14.
Variant type: Duplication.
Coding change: c.999dup on transcript NM_006859.4 (MANE Select); coding-DNA position 999, one base duplicated (A; older notation c.999dupA).
Protein change: p.Val334fs; shifts the reading frame from valine 334.
Molecular consequence: frameshift variant. On other transcripts: intron variant (1).
Genome position (GRCh38, 1-based): chr4:39,473,144, A duplicated; the last of 5 consecutive A bases (chr4:39,473,140-39,473,144); duplicating any one gives the same sequence. VCF-style (leftmost placement, unchanged base first): chr4-39473139-G-GA. GRCh37 (hg19) VCF-style: chr4-39474759-G-GA.
Other names: c.870dup, p.Val291fs (NM_001278590.2); c.690dup, p.Val231fs (NM_001363700.2); c.954+1838dup (NM_194451.3); short protein forms V231fs, V334fs, V291fs.
Identifiers: ClinVar variation 1451689 (VCV001451689.3), dbSNP rs2109887859, ClinGen allele CA2573137714.
Genomic context (GRCh38, chr4:39,473,139, plus strand): 5'-GAAGTAATTATTTAAATCTAGGTTGAAGAATATATTACTCCTGAAAAATTCAAATACTGG[G>GA]AAAAAGTAGGAAATGAACTTGGATTTCATTATACTGCAAGTGGCCCTTTGGTGCGTTCTT-3'

ClinVar aggregate classification (germline): Pathogenic (1 of 4 stars; one submission).

Conditions:
Lipoic acid synthetase deficiency. Also called: HYPERGLYCINEMIA, LACTIC ACIDOSIS, AND SEIZURES. Identifiers: Orphanet 401859, MedGen C3280887, MONDO:0013762, OMIM 614462.

Submission:

Labcorp Genetics (formerly Invitae), Labcorp
Classification: Pathogenic for Lipoic acid synthetase deficiency. Last evaluated: 2021-07-12. Review status: criteria provided, single submitter. Criteria: Invitae Variant Classification Sherloc (09022015). Collection method: clinical testing. Allele origin: germline.
Comment: This sequence change creates a premature translational stop signal (p.Val334Serfs*4) in the LIAS gene. It is expected to result in an absent or disrupted protein product. Loss-of-function variants in LIAS are known to be pathogenic (PMID: 24334290, 27923773). This variant is not present in population databases (ExAC no frequency). This variant has not been reported in the literature in individuals affected with LIAS-related conditions. Algorithms developed to predict the effect of sequence changes on RNA splicing suggest that this variant may create or strengthen a splice site. For these reasons, this variant has been classified as Pathogenic.

Literature cited by the submitters: PubMed 24334290; PubMed 27923773.